The following is an entry in ClinVar:

NM_001363118.2(SLC52A2):c.596C>T (p.Ala199Val)

Gene: SLC52A2 (solute carrier family 52 member 2; plus strand). Cytogenetic location: 8q24.3.
Variant type: single nucleotide variant.
Coding change: c.596C>T on transcript NM_001363118.2 (MANE Select); coding-DNA position 596, C replaced by T.
Protein change: p.Ala199Val; replaces alanine 199 with valine.
Molecular consequence: missense variant. On other transcripts: non-coding transcript variant (1), intron variant (1).
Genome position (GRCh38, 1-based): chr8:144,360,088, C>T. VCF-style: chr8-144360088-C-T. GRCh37 (hg19) VCF-style: chr8-145583748-C-T.
Other names: c.596C>T, p.Ala199Val (NM_001253815.2, NM_001253816.2, NM_001363120.2 and 2 more transcripts); c.131-27C>T (NM_001363122.2); short protein forms A199V.
Identifiers: ClinVar variation 1298344 (VCV001298344.1), dbSNP rs2130642900, ClinGen allele CA372627480.
Genomic context (GRCh38, chr8:144,360,088, plus strand): 5'-GCACCCCTGGCCCCCCGCTCGACTTCCTTGAGCGTTTTCCCGCCAGCACCTTCTTCTGGG[C>T]ACTGACTGCCCTTCTGGTCGCTTCAGCTGCTGCCTTCCAGGGTCTTCTGCTGCTGTTGCC-3'
Protein context (NP_001350047.1, residues 189-209): ERFPASTFFW[Ala199Val]LTALLVASAA

ClinVar aggregate classification (germline): Uncertain significance (1 of 4 stars; one submission).

Conditions:
Brown-Vialetto-van Laere syndrome 2. Also called: SPINOCEREBELLAR ATAXIA WITH BLINDNESS AND DEAFNESS 2; Riboflavin transporter deficiency type 2. Identifiers: Orphanet 572543, Orphanet 97229, MedGen C3553538, MONDO:0013867, OMIM 614707.

gnomAD v4.1: 4 of 1,613,020 alleles (0.00025%); highest among the groups gnomAD compares: Non-Finnish European, 0.00034%; no homozygotes.

Submission:

Breda Genetics srl
Classification: Uncertain significance for Brown-Vialetto-van Laere syndrome 2. Last evaluated: 2021-01-22. Review status: criteria provided, single submitter. Criteria: ACMG Guidelines, 2015. Collection method: clinical testing. Allele origin: germline. Inheritance: Autosomal recessive inheritance. Affected: yes. Observed: 1 variant allele, 1 heterozygote.
Comment: Based on allele frequency, in-silico prediction scores and a certain overlap with the clinical phenotype, we interpreted this variant at least as of uncertain significance. The lack of one or more of the following features has discouraged further investigations: lack of a possible second hit in autosomal recessive conditions, presence of healthy controls in databases for autosomal dominant conditions, presence of unmatching cardinal clinical features in the patient or in the known gene-disease association, and/or variant type outside the known gene mutational spectrum.